The following is an entry in ClinVar:

ClinVar aggregate classification (germline): Likely benign. Review status: criteria provided, multiple submitters, no conflicts (2 of 4 stars). 3 submissions from 3 submitters: Likely benign (3). Last evaluated 2024-06-27.

Conditions:
Rotor syndrome (HBLRR). Also called: HYPERBILIRUBINEMIA, ROTOR TYPE, DIGENIC; HYPERBILIRUBINEMIA, ROTOR TYPE. Identifiers: Orphanet 3111, MedGen C0220991, MONDO:0009379, OMIM 237450.

Allele frequency attached by ClinVar (database versions not stated): gnomAD exomes 0.00102 and 0.00259; ExAC 0.00320; gnomAD 0.01026 and 0.01105; 1000 Genomes Project 0.01118; TOPMed 0.01139; 1000 Genomes Project 30x 0.01171; ESP Exome Variant Server 0.01200.
gnomAD v4.1: 3,086 of 1,612,102 alleles (0.19%); highest among the groups gnomAD compares: African/African-American, 3.7%; 54 homozygotes.

Submissions (3):

ARUP Laboratories, Molecular Genetics and Genomics, ARUP Laboratories
Classification: Likely benign for Rotor syndrome. Last evaluated: 2024-06-27. Review status: criteria provided, single submitter. Criteria: ARUP Molecular Germline Variant Investigation Process 2024. Collection method: clinical testing. Allele origin: germline.

Illumina Laboratory Services, Illumina
Classification: Likely benign for Rotor syndrome. Last evaluated: 2017-04-28. Review status: criteria provided, single submitter. Criteria: ICSL Variant Classification Criteria 13 December 2019. Collection method: clinical testing. Allele origin: germline.
Comment: This variant was observed as part of a predisposition screen in an ostensibly healthy population. A literature search was performed for the gene, cDNA change, and amino acid change (where applicable). Publications were found based on this search. The evidence from the literature, in combination with allele frequency data from public databases where available, was sufficient to determine this variant is unlikely to cause disease. Therefore, this variant is classified as likely benign.

Breakthrough Genomics
Classification: Likely benign. Review status: criteria provided, single submitter. Criteria: ACMG Guidelines, 2015. Collection method: not provided. Allele origin: germline. Inheritance: Autosomal recessive inheritance. Affected: yes.

Literature cited by the submitters: PubMed 11477075 (cited by Illumina Laboratory Services, Illumina); PubMed 16513443 (cited by Illumina Laboratory Services, Illumina); PubMed 17883959 (cited by Illumina Laboratory Services, Illumina); PubMed 18154446 (cited by Illumina Laboratory Services, Illumina); PubMed 20660695 (cited by Illumina Laboratory Services, Illumina); PubMed 18185926 (cited by Illumina Laboratory Services, Illumina); PubMed 22147369 (cited by Illumina Laboratory Services, Illumina); PubMed 26373210 (cited by Illumina Laboratory Services, Illumina); PubMed 26929901 (cited by Illumina Laboratory Services, Illumina).

NM_006446.5(SLCO1B1):c.1463G>C (p.Gly488Ala)

Gene: SLCO1B1 (solute carrier organic anion transporter family member 1B1; plus strand). Cytogenetic location: 12p12.1.
Variant type: single nucleotide variant.
Coding change: c.1463G>C on transcript NM_006446.5 (MANE Select); coding-DNA position 1463, G replaced by C.
Protein change: p.Gly488Ala; replaces glycine 488 with alanine.
Molecular consequence: missense variant.
Genome position (GRCh38, 1-based): chr12:21,205,999, G>C. VCF-style: chr12-21205999-G-C. GRCh37 (hg19) VCF-style: chr12-21358933-G-C.
Other names: c.1463G>C (LRG_1022t1); short protein forms G488A.
Identifiers: ClinVar variation 307954 (VCV000307954.10), dbSNP rs59502379, ClinGen allele CA6477018.